The following is an entry in ClinVar:

NM_023110.3(FGFR1):c.1898_1899del (p.Glu633fs)

Gene: FGFR1 (fibroblast growth factor receptor 1; minus strand). Cytogenetic location: 8p11.23.
Variant type: Microsatellite.
Coding change: c.1898_1899del on transcript NM_023110.3 (MANE Select); coding-DNA positions 1898 to 1899, 2 bases deleted (AG; older notation c.1898_1899delAG).
Protein change: p.Glu633fs; shifts the reading frame from glutamic acid 633.
Molecular consequence: frameshift variant.
Genome position (GRCh38, 1-based): chr8:38,414,857-38,414,858, CT deleted on the plus strand (AG on the coding strand, the reverse complement: FGFR1 is on the minus strand); deleting any 2 consecutive bases within chr8:38,414,857-38,414,860 gives the same sequence; the c. name uses the placement nearest the transcript's 3' end. VCF-style (leftmost placement, unchanged base first): chr8-38414856-CCT-C. GRCh37 (hg19) VCF-style: chr8-38272374-CCT-C.
Other names: c.1898_1899delAG (NM_023110.3); c.1892_1893del, p.Glu631fs (NM_001174063.2, NM_001174065.2, NM_001354367.2 and 1 more transcripts); c.1868_1869del, p.Glu623fs (NM_001174064.2); c.1631_1632del, p.Glu544fs (NM_001174066.2, NM_023105.3); c.1991_1992del, p.Glu664fs (NM_001174067.2); c.1619_1620del, p.Glu540fs (NM_001354368.2); c.1886_1887del, p.Glu629fs (NM_001354369.2); c.1625_1626del, p.Glu542fs (NM_001354370.2, NM_023106.3); short protein forms E540fs, E542fs, E544fs, E623fs, E629fs, E631fs, E633fs, E664fs.
Identifiers: ClinVar variation 993644 (VCV000993644.10), dbSNP rs1815805060, ClinGen allele CA1777534796.

ClinVar aggregate classification (germline): Pathogenic/Likely pathogenic. Review status: criteria provided, multiple submitters, no conflicts (2 of 4 stars). 3 submissions from 3 submitters: Pathogenic (2); Likely pathogenic (1). Last evaluated 2026-01-05.

Conditions:
Hypogonadotropic hypogonadism 2 with or without anosmia (HH2). Also called: HYPOGONADOTROPIC HYPOGONADISM 2 WITHOUT ANOSMIA; FGFR1-Related GnRH Deficiency (Kallmann Syndrome 2); HYPOGONADOTROPIC HYPOGONADISM 2 WITH OR WITHOUT ANOSMIA, SUSCEPTIBILITY TO; HYPOGONADOTROPIC HYPOGONADISM 2 WITHOUT ANOSMIA, SUSCEPTIBILITY TO. Identifiers: Orphanet 478, MedGen C1563720, MONDO:0007844, OMIM 147950. Disease mechanism: loss of function.

Submissions (3):

Women's Health and Genetics/Laboratory Corporation of America, LabCorp
Classification: Pathogenic for Hypogonadotropic hypogonadism 2 with or without anosmia. Last evaluated: 2026-01-05. Review status: criteria provided, single submitter. Criteria: LabCorp Variant Classification Summary - May 2015. Collection method: clinical testing. Allele origin: germline.
Comment: Variant summary: FGFR1 c.1898_1899delAG (p.Glu633GlyfsX22) results in a premature termination codon, predicted to cause a truncation of the encoded protein or absence of the protein due to nonsense mediated decay, which are commonly known mechanisms for disease. The variant was absent in 249656 control chromosomes. c.1898_1899delAG has been observed in the heterozygous state in individual(s) affected with Hypogonadotropic hypogonadism 2 with or without anosmia (e.g. Xu_2023). The following publication has been ascertained in the context of this evaluation (PMID: 37805574). ClinVar contains an entry for this variant (Variation ID: 993644). Based on the evidence outlined above, the variant was classified as pathogenic.

Reproductive Endocrine Unit, Massachusetts General Hospital
Classification: Pathogenic for Hypogonadotropic hypogonadism 2 with or without anosmia. Last evaluated: 2023-05-04. Review status: criteria provided, single submitter. Criteria: ACMG Guidelines, 2015. Collection method: research. Allele origin: unknown. Affected: yes. Observed: 1 variant allele.
Comment: The variant NM_023110.2:c.1898_1899del, p.(Glu633Glyfs*22) het has been classified as P1c based on the variant meeting the following ACMG Criteria: PVS1,PM2,PP3.

ARUP Laboratories, Molecular Genetics and Genomics, ARUP Laboratories
Classification: Likely pathogenic. Last evaluated: 2020-02-28. Review status: criteria provided, single submitter. Criteria: ARUP Molecular Germline Variant Investigation Process. Collection method: clinical testing. Allele origin: germline.

Literature cited by the submitters: PubMed 37805574 (cited by Women's Health and Genetics/Laboratory Corporation of America, LabCorp).